The following is an entry in ClinVar:

NM_170606.3(KMT2C):c.3320A>G (p.Asp1107Gly)

Gene: KMT2C (lysine methyltransferase 2C; minus strand). Cytogenetic location: 7q36.1.
Variant type: single nucleotide variant.
Coding change: c.3320A>G on transcript NM_170606.3 (MANE Select); coding-DNA position 3320, A replaced by G.
Protein change: p.Asp1107Gly; replaces aspartic acid 1107 with glycine.
Molecular consequence: missense variant.
Genome position (GRCh38, 1-based): chr7:152,224,018, T>C on the plus strand (A>G on the coding strand, the complement: KMT2C is on the minus strand). VCF-style: chr7-152224018-T-C. GRCh37 (hg19) VCF-style: chr7-151921103-T-C.
Other names: short protein forms D1107G.
Identifiers: ClinVar variation 3289151 (VCV003289151.1).

ClinVar aggregate classification (germline): Likely pathogenic (1 of 4 stars; one submission).

Conditions:
Inborn genetic diseases. Identifiers: MedGen C0950123, MeSH D030342.

Submission:

Ambry Genetics
Classification: Likely pathogenic for Inborn genetic diseases. Last evaluated: 2024-05-14. Review status: criteria provided, single submitter. Criteria: Ambry Variant Classification Scheme 2023. Collection method: clinical testing. Allele origin: germline.
Comment: The c.3320A>G (p.D1107G) alteration is located in exon 20 (coding exon 20) of the KMT2C gene. This alteration results from an A to G substitution at nucleotide position 3320, causing the aspartic acid (D) at amino acid position 1107 to be replaced by a glycine (G). This variant was not reported in population-based cohorts in the Genome Aggregation Database (gnomAD). This amino acid position is highly conserved in available vertebrate species. This missense alteration is located in a region that has a low rate of benign missense variation (Lek, 2016; Firth, 2009). This amino acid variant is predicted to be deleterious by in silico analysis. In silico splice site analysis predicts that this variant will weaken the native splice donor site and will result in the creation or strengthening of a novel splice donor site. Based on the available evidence, this alteration is classified as likely pathogenic.